The following is an entry in ClinVar:

ClinVar aggregate classification (germline): Uncertain significance (1 of 4 stars; one submission).

Conditions:
ALG8 congenital disorder of glycosylation. Also called: CONGENITAL DISORDER OF GLYCOSYLATION, TYPE Ih; CDG Ih; ALG8-CDG. Identifiers: Orphanet 79325, MedGen C2931002, MONDO:0011969, OMIM 608104.

Submission:

Labcorp Genetics (formerly Invitae), Labcorp
Classification: Uncertain significance for ALG8 congenital disorder of glycosylation. Last evaluated: 2025-10-12. Review status: criteria provided, single submitter. Criteria: Invitae Variant Classification Sherloc (09022015). Collection method: clinical testing. Allele origin: germline.
Comment: This sequence change replaces tyrosine, which is neutral and polar, with histidine, which is basic and polar, at codon 119 of the ALG8 protein (p.Tyr119His). This variant is not present in population databases (gnomAD no frequency). This variant has not been reported in the literature in individuals affected with ALG8-related conditions. Invitae Evidence Modeling of protein sequence and biophysical properties (such as structural, functional, and spatial information, amino acid conservation, physicochemical variation, residue mobility, and thermodynamic stability) indicates that this missense variant is expected to disrupt ALG8 protein function with a positive predictive value of 80%. In summary, the available evidence is currently insufficient to determine the role of this variant in disease. Therefore, it has been classified as a Variant of Uncertain Significance.

NM_024079.5(ALG8):c.355T>C (p.Tyr119His)

Gene: ALG8 (ALG8 alpha-1,3-glucosyltransferase; minus strand). Cytogenetic location: 11q14.1.
Variant type: single nucleotide variant.
Coding change: c.355T>C on transcript NM_024079.5 (MANE Select); coding-DNA position 355, T replaced by C.
Protein change: p.Tyr119His; replaces tyrosine 119 with histidine.
Molecular consequence: missense variant. On other transcripts: 5 prime UTR variant (2), non-coding transcript variant (2), splice donor variant (1).
Genome position (GRCh38, 1-based): chr11:78,124,034, A>G on the plus strand (T>C on the coding strand, the complement: ALG8 is on the minus strand). VCF-style: chr11-78124034-A-G. GRCh37 (hg19) VCF-style: chr11-77835080-A-G.
Other names: c.355T>C, p.Tyr119His (NM_001007027.3, NM_001425221.1, NM_001425222.1 and 13 more transcripts); c.358T>C, p.Tyr120His (NM_001425219.1); c.202T>C, p.Tyr68His (NM_001425226.1, NM_001425235.1, NM_001425236.1); c.154T>C, p.Tyr52His (NM_001425231.1); c.91T>C, p.Tyr31His (NM_001425234.1, NM_001425239.1); c.-158T>C (NM_001425241.1); c.-196T>C (NM_001425242.1); c.353+2T>C (NM_001425220.1); short protein forms Y119H, Y31H, Y68H, Y120H, Y52H.
Identifiers: ClinVar variation 4745121 (VCV004745121.1).